The following is an entry in ClinVar:

ClinVar aggregate classification (germline): Uncertain significance (1 of 4 stars; one submission).

Conditions:
Inborn genetic diseases. Identifiers: MedGen C0950123, MeSH D030342.

gnomAD v4.1: 1 of 1,614,160 alleles (0.000062%); highest among the groups gnomAD compares: Non-Finnish European, 0.000085%; no homozygotes.

Submission:

Ambry Genetics
Classification: Uncertain significance for Inborn genetic diseases. Last evaluated: 2025-04-10. Review status: criteria provided, single submitter. Criteria: Ambry Variant Classification Scheme 2023. Collection method: clinical testing. Allele origin: germline.
Comment: The p.G256C variant (also known as c.766G>T), located in coding exon 3 of the MBD4 gene, results from a G to T substitution at nucleotide position 766. The glycine at codon 256 is replaced by cysteine, an amino acid with highly dissimilar properties. This amino acid position is conserved. In addition, this alteration is predicted to be tolerated by in silico analysis. Based on the available evidence, the clinical significance of this variant remains unclear.

NM_001276270.2(MBD4):c.766G>T (p.Gly256Cys)

Gene: MBD4 (methyl-CpG binding domain 4, DNA glycosylase; minus strand). Cytogenetic location: 3q21.3.
Variant type: single nucleotide variant.
Coding change: c.766G>T on transcript NM_001276270.2 (MANE Select); coding-DNA position 766, G replaced by T.
Protein change: p.Gly256Cys; replaces glycine 256 with cysteine.
Molecular consequence: missense variant. On other transcripts: intron variant (1).
Genome position (GRCh38, 1-based): chr3:129,436,878, C>A on the plus strand (G>T on the coding strand, the complement: MBD4 is on the minus strand). VCF-style: chr3-129436878-C-A. GRCh37 (hg19) VCF-style: chr3-129155721-C-A.
Other names: c.766G>T, p.Gly256Cys (NM_001276271.2, NM_001276272.2, NM_003925.3); c.247+930G>T (NM_001276273.2); short protein forms G256C.
Identifiers: ClinVar variation 4052199 (VCV004052199.1).